The following is an entry in ClinVar:

NM_001130438.3(SPTAN1):c.5452C>G (p.Leu1818Val)

Gene: SPTAN1 (spectrin alpha, non-erythrocytic 1; plus strand). Cytogenetic location: 9q34.11.
Variant type: single nucleotide variant.
Coding change: c.5452C>G on transcript NM_001130438.3 (MANE Select); coding-DNA position 5452, C replaced by G.
Protein change: p.Leu1818Val; replaces leucine 1818 with valine.
Molecular consequence: missense variant.
Genome position (GRCh38, 1-based): chr9:128,617,734, C>G. VCF-style: chr9-128617734-C-G. GRCh37 (hg19) VCF-style: chr9-131380013-C-G.
Other names: c.5377C>G, p.Leu1793Val (NM_001195532.2); c.5452C>G, p.Leu1818Val (NM_001363759.2, NM_001375310.1, NM_001375311.2 and 1 more transcripts); c.5392C>G, p.Leu1798Val (NM_001363765.2, NM_001375314.2); c.5488C>G, p.Leu1830Val (NM_001375312.2, NM_001375318.1); c.5437C>G, p.Leu1813Val (NM_003127.4); short protein forms L1793V, L1798V, L1813V, L1818V, L1830V.
Identifiers: ClinVar variation 1697167 (VCV001697167.2), dbSNP rs2131791669, ClinGen allele CA375076471.

ClinVar aggregate classification (germline): Uncertain significance (1 of 4 stars; one submission).

Submission:

GeneDx
Classification: Uncertain significance. Last evaluated: 2022-01-14. Review status: criteria provided, single submitter. Criteria: GeneDx Variant Classification Process June 2021. Collection method: clinical testing. Allele origin: germline. Affected: yes.
Comment: Not observed at significant frequency in large population cohorts (gnomAD); In silico analysis supports that this missense variant does not alter protein structure/function; Has not been previously published as pathogenic or benign to our knowledge